The following is an entry in ClinVar:

NM_000238.4(KCNH2):c.47A>C (p.Asp16Ala)

Gene: KCNH2 (potassium voltage-gated channel subfamily H member 2; minus strand). Cytogenetic location: 7q36.1.
Variant type: single nucleotide variant.
Coding change: c.47A>C on transcript NM_000238.4 (MANE Select); coding-DNA position 47, A replaced by C.
Protein change: p.Asp16Ala; replaces aspartic acid 16 with alanine.
Molecular consequence: missense variant.
Genome position (GRCh38, 1-based): chr7:150,977,867, T>G on the plus strand (A>C on the coding strand, the complement: KCNH2 is on the minus strand). VCF-style: chr7-150977867-T-G. GRCh37 (hg19) VCF-style: chr7-150674955-T-G.
Other names: c.47A>C (LRG_288t1); c.47A>C, p.Asp16Ala (NM_172056.3); short protein forms D16A.
Identifiers: ClinVar variation 67507 (VCV000067507.4), dbSNP rs199472825, ClinGen allele CA008513.

ClinVar aggregate classification (germline): Uncertain significance. Review status: criteria provided, single submitter (1 of 4 stars). 2 submissions from 2 submitters: Uncertain significance (1). 1 of the submissions does not count toward it. Last evaluated 2025-07-02.

Conditions:
Cardiac arrhythmia. Also called: Arrhythmia; Cardiac rhythm disease. Identifiers: MedGen C0003811, MONDO:0007263, HP:0011675.
Familial long QT syndrome (RWS). Also called: Congenital long QT syndrome; Romano-Ward syndrome; VENTRICULAR FIBRILLATION WITH PROLONGED QT INTERVAL. Identifiers: Orphanet 768, MedGen C1141890, MONDO:0019171.

Allele frequency attached by ClinVar (database versions not stated): TOPMed below 0.00001; gnomAD exomes below 0.00001.
gnomAD v4.1: 3 of 1,531,790 alleles (0.0002%); highest among the groups gnomAD compares: Non-Finnish European, 0.00026%; no homozygotes.

Submissions (2):

Color Diagnostics, LLC DBA Color Health
Classification: Uncertain significance for Cardiac arrhythmia. Last evaluated: 2025-07-02. Review status: criteria provided, single submitter. Criteria: ACMG Guidelines, 2015. Collection method: clinical testing. Allele origin: germline.
Comment: This missense variant replaces aspartic acid with alanine at codon 16 of the KCNH2 protein. This variant is located within the conserved N-terminus cluster (a.a. 1-130) of the KCNH2 protein. Rare non-truncating variants in this region have been shown to be significantly overrepresented in individuals with long QT syndrome (PMID: 32893267). Computational prediction suggests that this variant may have a deleterious impact on protein structure and function. To our knowledge, functional studies have not been reported for this variant. This variant has been reported in an individual affected with long QT syndrome (PMID: 19716085) and in an individual affected with arrhythmia (PMID: 31696929). This variant has been identified in 1/240068 chromosomes in the general population by the Genome Aggregation Database (gnomAD). The available evidence is insufficient to determine the role of this variant in disease conclusively. Therefore, this variant is classified as a Variant of Uncertain Significance.

Cardiovascular Biomedical Research Unit, Royal Brompton & Harefield NHS Foundation Trust
No classification provided. Condition: Familial long QT syndrome. Review status: no classification provided. Collection method: literature only. Allele origin: germline. Not counted in ClinVar's aggregate classification.
Comment: This variant has been reported as associated with Long QT syndrome in the following publications (PMID:19716085). This is a literature report, and does not necessarily reflect the clinical interpretation of the Imperial College / Royal Brompton Cardiovascular Genetics laboratory.

Literature cited by the submitters: PubMed 19716085 (cited by Color Diagnostics, LLC DBA Color Health and Cardiovascular Biomedical Research Unit, Royal Brompton & Harefield NHS Foundation Trust); PubMed 31696929 (cited by Color Diagnostics, LLC DBA Color Health); PubMed 32893267 (cited by Color Diagnostics, LLC DBA Color Health); PubMed 22581653 (cited by Cardiovascular Biomedical Research Unit, Royal Brompton & Harefield NHS Foundation Trust).